The following is an entry in ClinVar:

NM_000540.3(RYR1):c.8733C>T (p.Leu2911=)

Gene: RYR1 (ryanodine receptor 1; plus strand). Cytogenetic location: 19q13.2.
Variant type: single nucleotide variant.
Coding change: c.8733C>T on transcript NM_000540.3 (MANE Select); coding-DNA position 8733, C replaced by T.
Protein change: p.Leu2911=; no amino-acid change (leucine 2911 retained).
Molecular consequence: synonymous variant.
Genome position (GRCh38, 1-based): chr19:38,506,869, C>T. VCF-style: chr19-38506869-C-T. GRCh37 (hg19) VCF-style: chr19-38997509-C-T.
Other names: c.8733C>T, p.Leu2911= (NM_001042723.2).
Identifiers: ClinVar variation 932361 (VCV000932361.44), dbSNP rs200427576, ClinGen allele CA507245702.

ClinVar aggregate classification (germline): Likely benign. Review status: criteria provided, multiple submitters, no conflicts (2 of 4 stars). 2 submissions from 2 submitters: Likely benign (2). Last evaluated 2026-01-05.

Conditions:
RYR1-related disorder. Also called: RYR1-related disorders; RYR1-related condition. Identifiers: MedGen CN239331.

gnomAD v4.1: 5 of 1,614,008 alleles (0.00031%); highest among the groups gnomAD compares: African/African-American, 0.0013%; no homozygotes.

Submissions (2):

Labcorp Genetics (formerly Invitae), Labcorp
Classification: Likely benign for RYR1-related disorder. Last evaluated: 2026-01-05. Review status: criteria provided, single submitter. Criteria: Invitae Variant Classification Sherloc (09022015). Collection method: clinical testing. Allele origin: germline.

CeGaT Center for Human Genetics Tuebingen
Classification: Likely benign. Last evaluated: 2025-03-01. Review status: criteria provided, single submitter. Criteria: CeGaT Center For Human Genetics Tuebingen Variant Classification Criteria Version 2. Collection method: clinical testing. Allele origin: germline. Affected: yes. Observed: 10 variant alleles.
Comment: RYR1: BP4, BP7